The following is an entry in ClinVar:

ClinVar aggregate classification (germline): Likely pathogenic (1 of 4 stars; one submission).

Allele frequency attached by ClinVar (database versions not stated): ExAC 0.00001; gnomAD exomes 0.00001.
gnomAD v4.1: 10 of 1,614,068 alleles (0.00062%); highest among the groups gnomAD compares: South Asian, 0.0011%; no homozygotes.

Submission:

Labcorp Genetics (formerly Invitae), Labcorp
Classification: Likely pathogenic. Last evaluated: 2023-06-30. Review status: criteria provided, single submitter. Criteria: Invitae Variant Classification Sherloc (09022015). Collection method: clinical testing. Allele origin: germline.
Comment: In summary, the currently available evidence indicates that the variant is pathogenic, but additional data are needed to prove that conclusively. Therefore, this variant has been classified as Likely Pathogenic. This sequence change replaces aspartic acid, which is acidic and polar, with glycine, which is neutral and non-polar, at codon 387 of the EIF2B5 protein (p.Asp387Gly). This variant is present in population databases (rs113994075, gnomAD 0.003%). This missense change has been observed in individuals with leukoencephalopathy with vanishing white matter (PMID: 15136673). ClinVar contains an entry for this variant (Variation ID: 2203469). Advanced modeling of protein sequence and biophysical properties (such as structural, functional, and spatial information, amino acid conservation, physicochemical variation, residue mobility, and thermodynamic stability) performed at Invitae indicates that this missense variant is expected to disrupt EIF2B5 protein function.

Literature cited by the submitters: PubMed 15136673.

NM_003907.3(EIF2B5):c.1160A>G (p.Asp387Gly)

Gene: EIF2B5 (eukaryotic translation initiation factor 2B subunit epsilon; plus strand). Cytogenetic location: 3q27.1.
Variant type: single nucleotide variant.
Coding change: c.1160A>G on transcript NM_003907.3 (MANE Select); coding-DNA position 1160, A replaced by G.
Protein change: p.Asp387Gly; replaces aspartic acid 387 with glycine.
Molecular consequence: missense variant.
Genome position (GRCh38, 1-based): chr3:184,141,928, A>G. VCF-style: chr3-184141928-A-G. GRCh37 (hg19) VCF-style: chr3-183859716-A-G.
Other names: short protein forms D387G.
Identifiers: ClinVar variation 2203469 (VCV002203469.4), dbSNP rs113994075, ClinGen allele CA2726613.
Genomic context (GRCh38, chr3:184,141,928, plus strand): 5'-GCTCTGCTCTGCGGTTGGAACCCTGAGTTACCCAGAGGTCTTCCCATCCTGAGCCAGGTG[A>G]TAACGTGGTGCTGGACCAGACCTACCTGTGGCAGGGTGTTCGAGTGGCGGCTGGAGCACA-3'
Protein context (NP_003898.2, residues 377-397): SVIGPGCHIG[Asp387Gly]NVVLDQTYLW